The following is an entry in ClinVar:

ClinVar aggregate classification (germline): Pathogenic (1 of 4 stars; one submission).

Submission:

Labcorp Genetics (formerly Invitae), Labcorp
Classification: Pathogenic. Last evaluated: 2020-08-08. Review status: criteria provided, single submitter. Criteria: Invitae Variant Classification Sherloc (09022015). Collection method: clinical testing. Allele origin: germline.
Comment: For these reasons, this variant has been classified as Pathogenic. Loss-of-function variants in PHEX are known to be pathogenic (PMID: 9097956, 9106524, 19219621). This variant has been observed in individual(s) with hypophosphatemia (Invitae). This variant results in a copy number gain of the genomic region encompassing exon(s) 3-11 of the PHEX gene. While the exact position of this variant cannot be determined from the data, sub-genic copy number gains are generally in tandem (PMID: 25640679). This variant is predicted to be out-of-frame, and may result in an absent or disrupted protein product.

Literature cited by the submitters: PubMed 9097956; PubMed 9106524; PubMed 19219621; PubMed 25640679.

NC_000023.10:g.(?_22065168)_(22132704_?)dup

Gene: PHEX (phosphate regulating endopeptidase X-linked; plus strand). Cytogenetic location: Xp22.11.
Variant type: Duplication.
Identifiers: ClinVar variation 1075902 (VCV001075902.7).